The following is an entry in ClinVar:

NM_002226.5(JAG2):c.582C>T (p.Ile194=)

Gene: JAG2 (jagged canonical Notch ligand 2; minus strand). Cytogenetic location: 14q32.33.
Variant type: single nucleotide variant.
Coding change: c.582C>T on transcript NM_002226.5 (MANE Select); coding-DNA position 582, C replaced by T.
Protein change: p.Ile194=; no amino-acid change (isoleucine 194 retained).
Molecular consequence: synonymous variant.
Genome position (GRCh38, 1-based): chr14:105,155,883, G>A on the plus strand (C>T on the coding strand, the complement: JAG2 is on the minus strand). VCF-style: chr14-105155883-G-A. GRCh37 (hg19) VCF-style: chr14-105622220-G-A.
Other names: p.Ile194=; c.582C>T, p.Ile194= (NM_145159.3).
Identifiers: ClinVar variation 4683953 (VCV004683953.1).

ClinVar aggregate classification (germline): Likely benign (1 of 4 stars; one submission).

gnomAD v4.1: 115 of 1,612,218 alleles (0.0071%); highest among the groups gnomAD compares: Admixed American, 0.047%; no homozygotes.

Submission:

Mayo Clinic Laboratories, Mayo Clinic
Classification: Likely benign. Last evaluated: 2025-02-04. Review status: criteria provided, single submitter. Criteria: ACMG Guidelines, 2015. Collection method: clinical testing. Allele origin: germline. Observed: 1 variant allele.
Comment: BS1, BP4, BP7